The following is an entry in ClinVar:

NM_213599.3(ANO5):c.265_267delinsTAC (p.Asp89Tyr)

Gene: ANO5 (anoctamin 5; plus strand). Cytogenetic location: 11p14.3.
Variant type: Indel.
Coding change: c.265_267delinsTAC on transcript NM_213599.3 (MANE Select); coding-DNA positions 265 to 267, GAT replaced by TAC.
Protein change: p.Asp89Tyr; replaces aspartic acid 89 with tyrosine.
Molecular consequence: missense variant.
Genome position (GRCh38, 1-based): chr11:22,221,181-22,221,183, GAT replaced by TAC. VCF-style: chr11-22221181-GAT-TAC. GRCh37 (hg19) VCF-style: chr11-22242727-GAT-TAC.
Other names: c.262_264delinsTAC, p.Asp88Tyr (NM_001142649.2); short protein forms D88Y, D89Y.
Identifiers: ClinVar variation 1695875 (VCV001695875.6), dbSNP rs2133588821, ClinGen allele CA2580082933.
Genomic context (GRCh38, chr11:22,221,181, plus strand): 5'-GATTCTATCTTCTTCCGAGATGGGATTAGGCAAATTGATTTTGTGCTTTCCTACGTTGAT[GAT>TAC]GTAAAGAAAGACGCAGAGTTAAAGGCGGTAAGTGCATTATAACAGAAGTGGGAATAATAA-3'
Protein context (NP_998764.1, residues 79-99): QIDFVLSYVD[Asp89Tyr]VKKDAELKAE

ClinVar aggregate classification (germline): Uncertain significance. Review status: criteria provided, multiple submitters, no conflicts (2 of 4 stars). 3 submissions from 3 submitters: Uncertain significance (3). Last evaluated 2026-08-01.

Submissions (3):

CeGaT Center for Human Genetics Tuebingen
Classification: Uncertain significance. Last evaluated: 2026-08-01. Review status: criteria provided, single submitter. Criteria: CeGaT Center For Human Genetics Tuebingen Variant Classification Criteria Version 2. Collection method: clinical testing. Allele origin: germline. Affected: yes. Observed: 1 variant allele.
Comment: ANO5: PM2

GeneDx
Classification: Uncertain significance. Last evaluated: 2024-03-28. Review status: criteria provided, single submitter. Criteria: GeneDx Variant Classification Process June 2021. Collection method: clinical testing. Allele origin: germline. Affected: yes.
Comment: Not observed at significant frequency in large population cohorts (gnomAD); In silico analysis supports a deleterious effect on protein structure/function; Has not been previously published as pathogenic or benign to our knowledge

Athena Diagnostics
Classification: Uncertain significance. Last evaluated: 2022-09-20. Review status: criteria provided, single submitter. Criteria: Athena Diagnostics Criteria. Collection method: clinical testing. Allele origin: unknown.
Comment: Available data are insufficient to determine the clinical significance of the variant at this time. The frequency of this variant in the general population is uninformative in assessment of its pathogenicity. Computational tools predict that this variant is damaging.